The following is an entry in ClinVar:

NM_005430.4(WNT1):c.688C>T (p.Arg230Cys)

Gene: WNT1 (Wnt family member 1; plus strand). Cytogenetic location: 12q13.12.
Variant type: single nucleotide variant.
Coding change: c.688C>T on transcript NM_005430.4 (MANE Select); coding-DNA position 688, C replaced by T.
Protein change: p.Arg230Cys; replaces arginine 230 with cysteine.
Molecular consequence: missense variant.
Genome position (GRCh38, 1-based): chr12:48,981,215, C>T. VCF-style: chr12-48981215-C-T. GRCh37 (hg19) VCF-style: chr12-49374998-C-T.
Other names: short protein forms R230C.
Identifiers: ClinVar variation 4809083 (VCV004809083.1).

ClinVar aggregate classification (germline): Uncertain significance (1 of 4 stars; one submission).

Submission:

Labcorp Genetics (formerly Invitae), Labcorp
Classification: Uncertain significance. Last evaluated: 2025-04-28. Review status: criteria provided, single submitter. Criteria: Invitae Variant Classification Sherloc (09022015). Collection method: clinical testing. Allele origin: germline.
Comment: This sequence change replaces arginine, which is basic and polar, with cysteine, which is neutral and slightly polar, at codon 230 of the WNT1 protein (p.Arg230Cys). This variant is not present in population databases (gnomAD no frequency). This variant has not been reported in the literature in individuals affected with WNT1-related conditions. Invitae Evidence Modeling of protein sequence and biophysical properties (such as structural, functional, and spatial information, amino acid conservation, physicochemical variation, residue mobility, and thermodynamic stability) indicates that this missense variant is expected to disrupt WNT1 protein function with a positive predictive value of 80%. In summary, the available evidence is currently insufficient to determine the role of this variant in disease. Therefore, it has been classified as a Variant of Uncertain Significance.